The following is an entry in ClinVar:

NM_001039141.3(TRIOBP):c.7046C>T (p.Ala2349Val)

Gene: TRIOBP (TRIO and F-actin binding protein; plus strand). Cytogenetic location: 22q13.1.
Variant type: single nucleotide variant.
Coding change: c.7046C>T on transcript NM_001039141.3 (MANE Select); coding-DNA position 7046, C replaced by T.
Protein change: p.Ala2349Val; replaces alanine 2349 with valine.
Molecular consequence: missense variant.
Genome position (GRCh38, 1-based): chr22:37,772,710, C>T. VCF-style: chr22-37772710-C-T. GRCh37 (hg19) VCF-style: chr22-38168717-C-T.
Other names: c.1907C>T, p.Ala636Val (NM_007032.5); short protein forms A2349V, A636V.
Identifiers: ClinVar variation 3899473 (VCV003899473.1).
Genomic context (GRCh38, chr22:37,772,710, plus strand): 5'-GCCACATCAAGACACGGTCTGAGCGGGAGATCGAGCAGCTGAAGGAGCACCTGCGTCTTG[C>T]CATGGCCGCCCTCCAGGAGAAGGAGTCGATGCGCAACAGCCTGGCTGAGTAGAGGTGGAT-3'
Protein context (NP_001034230.1, residues 2339-2359): IEQLKEHLRL[Ala2349Val]MAALQEKESM

ClinVar aggregate classification (germline): Uncertain significance (1 of 4 stars; one submission).

gnomAD v4.1: 4 of 1,613,944 alleles (0.00025%); highest among the groups gnomAD compares: Middle Eastern, 0.016%; no homozygotes.

Submission:

GeneDx
Classification: Uncertain significance. Last evaluated: 2024-11-15. Review status: criteria provided, single submitter. Criteria: GeneDx Variant Classification Process June 2021. Collection method: clinical testing. Allele origin: germline. Affected: yes.
Comment: Not observed at significant frequency in large population cohorts (gnomAD); In silico analysis supports that this missense variant has a deleterious effect on protein structure/function; Has not been previously published as pathogenic or benign to our knowledge